The following is an entry in ClinVar:

ClinVar aggregate classification (germline): Likely benign. Review status: criteria provided, multiple submitters, no conflicts (2 of 4 stars). 3 submissions from 3 submitters: Likely benign (3). Last evaluated 2026-08-01.

Conditions:
RP1L1-related disorder. Also called: RP1L1-related condition.

gnomAD v4.1: 152 of 1,612,234 alleles (0.0094%); highest among the groups gnomAD compares: Middle Eastern, 0.016%; no homozygotes.

Submissions (3):

CeGaT Center for Human Genetics Tuebingen
Classification: Likely benign. Last evaluated: 2026-08-01. Review status: criteria provided, single submitter. Criteria: CeGaT Center For Human Genetics Tuebingen Variant Classification Criteria Version 2. Collection method: clinical testing. Allele origin: germline. Affected: yes. Observed: 1 variant allele.
Comment: RP1L1: BP4, BP7

PreventionGenetics, part of Exact Sciences
Classification: Likely benign for RP1L1-related condition. Last evaluated: 2025-07-15. Review status: criteria provided, single submitter. Criteria: ACMG Guidelines, 2015. Collection method: clinical testing. Allele origin: germline.
Comment: This variant is classified as likely benign based on ACMG/AMP sequence variant interpretation guidelines (Richards et al. 2015 PMID: 25741868, with internal and published modifications).

Blueprint Genetics
Classification: Likely benign. Last evaluated: 2024-10-25. Review status: criteria provided, single submitter. Criteria: ACMG Guidelines, 2015. Collection method: clinical testing. Allele origin: germline.

NM_178857.6(RP1L1):c.4671G>T (p.Ala1557=)

Gene: RP1L1 (RP1 like 1). Cytogenetic location: 8p23.1.
Variant type: single nucleotide variant.
Coding change: c.4671G>T on transcript NM_178857.6 (MANE Select); coding-DNA position 4671, G replaced by T.
Protein change: p.Ala1557=; no amino-acid change (alanine 1557 retained).
Molecular consequence: synonymous variant.
Genome position (GRCh38, 1-based): chr8:10,609,427, C>A on the plus strand (G>T on the coding strand, the complement: RP1L1 is on the minus strand). VCF-style: chr8-10609427-C-A. GRCh37 (hg19) VCF-style: chr8-10466937-C-A.
Other names: c.4671G>T (NM_178857.5).
Identifiers: ClinVar variation 4899035 (VCV004899035.3).